The following is an entry in ClinVar:

NM_021971.4(GMPPB):c.340G>T (p.Asp114Tyr)

Gene: GMPPB (GDP-mannose pyrophosphorylase B; minus strand). Cytogenetic location: 3p21.31.
Variant type: single nucleotide variant.
Coding change: c.340G>T on transcript NM_021971.4 (MANE Select); coding-DNA position 340, G replaced by T.
Protein change: p.Asp114Tyr; replaces aspartic acid 114 with tyrosine.
Molecular consequence: missense variant.
Genome position (GRCh38, 1-based): chr3:49,723,034, C>A on the plus strand (G>T on the coding strand, the complement: GMPPB is on the minus strand). VCF-style: chr3-49723034-C-A. GRCh37 (hg19) VCF-style: chr3-49760467-C-A.
Other names: c.340G>T, p.Asp114Tyr (NM_013334.4); short protein forms D114Y.
Identifiers: ClinVar variation 2171940 (VCV002171940.4), dbSNP rs2080446594, ClinGen allele CA352829649.

ClinVar aggregate classification (germline): Uncertain significance (1 of 4 stars; one submission).

Conditions:
Muscular dystrophy-dystroglycanopathy (congenital with brain and eye anomalies), type A14. Also called: WALKER-WARBURG SYNDROME OR MUSCLE-EYE-BRAIN DISEASE, GMPPB-RELATED; Muscular dystrophy-dystroglycanopathy (congenital with brain and eye anomalies), type a, 14; Congenital Muscular Dystrophy-Dystroglycanopathy with Brain and Eye Anomalies Type A 14; Congenital muscular dystrophy-dystroglycanopathy with brain and eye anomalies, type A14. Identifiers: Orphanet 588, MedGen C3809216, MONDO:0014140, OMIM 615350.
Muscular dystrophy-dystroglycanopathy (congenital with impaired intellectual development), type B, 14. Also called: Muscular dystrophy-dystroglycanopathy (congenital with intellectual disability), type B14; MUSCULAR DYSTROPHY, CONGENITAL, GMPPB-RELATED; Congenital muscular dystrophy-dystroglycanopathy with mental retardation, type B14. Identifiers: MedGen C3809221, MONDO:0014141, OMIM 615351.
Autosomal recessive limb-girdle muscular dystrophy type 2T. Also called: MUSCULAR DYSTROPHY-DYSTROGLYCANOPATHY, LIMB-GIRDLE, GMPPB-RELATED; MUSCULAR DYSTROPHY, LIMB-GIRDLE, TYPE 2T; Muscular dystrophy-dystroglycanopathy (limb-girdle), type c, 14; Limb-girdle muscular dystrophy-dystroglycanopathy, type C14. Identifiers: Orphanet 363623, MedGen C4518000, MONDO:0014142, OMIM 615352.

Allele frequency attached by ClinVar (database versions not stated): gnomAD exomes below 0.00001; TOPMed 0.00001.
gnomAD v4.1: 4 of 1,613,626 alleles (0.00025%); highest among the groups gnomAD compares: Non-Finnish European, 0.00034%; no homozygotes.

Submission:

Labcorp Genetics (formerly Invitae), Labcorp
Classification: Uncertain significance for Autosomal recessive limb-girdle muscular dystrophy type 2T; Muscular dystrophy-dystroglycanopathy (congenital with brain and eye anomalies), type A14; Muscular dystrophy-dystroglycanopathy (congenital with impaired intellectual development), type B, 14. Last evaluated: 2023-12-18. Review status: criteria provided, single submitter. Criteria: Invitae Variant Classification Sherloc (09022015). Collection method: clinical testing. Allele origin: germline.
Comment: This sequence change replaces aspartic acid, which is acidic and polar, with tyrosine, which is neutral and polar, at codon 114 of the GMPPB protein (p.Asp114Tyr). This variant is not present in population databases (gnomAD no frequency). This missense change has been observed in individual(s) with clinical features of muscular dystrophy-dystroglycanopathy (Invitae). In at least one individual the data is consistent with being in trans (on the opposite chromosome) from a pathogenic variant. ClinVar contains an entry for this variant (Variation ID: 2171940). Advanced modeling of protein sequence and biophysical properties (such as structural, functional, and spatial information, amino acid conservation, physicochemical variation, residue mobility, and thermodynamic stability) has been performed at Invitae for this missense variant, however the output from this modeling did not meet the statistical confidence thresholds required to predict the impact of this variant on GMPPB protein function. In summary, the available evidence is currently insufficient to determine the role of this variant in disease. Therefore, it has been classified as a Variant of Uncertain Significance.